The following is an entry in ClinVar:

NM_006372.5(SYNCRIP):c.489G>C (p.Glu163Asp)

Gene: SYNCRIP (synaptotagmin binding cytoplasmic RNA interacting protein; minus strand). Cytogenetic location: 6q14.3.
Variant type: single nucleotide variant.
Coding change: c.489G>C on transcript NM_006372.5 (MANE Select); coding-DNA position 489, G replaced by C.
Protein change: p.Glu163Asp; replaces glutamic acid 163 with aspartic acid.
Molecular consequence: missense variant. On other transcripts: intron variant (1).
Genome position (GRCh38, 1-based): chr6:85,637,243, C>G on the plus strand (G>C on the coding strand, the complement: SYNCRIP is on the minus strand). VCF-style: chr6-85637243-C-G. GRCh37 (hg19) VCF-style: chr6-86346961-C-G.
Other names: c.195G>C, p.Glu65Asp (NM_001159673.2, NM_001410938.1); c.489G>C, p.Glu163Asp (NM_001159674.2, NM_001159675.2, NM_001159676.2 and 1 more transcripts); c.33+26G>C (NM_001253771.2); short protein forms E163D, E65D.
Identifiers: ClinVar variation 1311979 (VCV001311979.2), dbSNP rs2128301121, ClinGen allele CA364906078.

ClinVar aggregate classification (germline): Uncertain significance (1 of 4 stars; one submission).

Submission:

GeneDx
Classification: Uncertain significance. Last evaluated: 2020-02-01. Review status: criteria provided, single submitter. Criteria: GeneDx Variant Classification Process June 2021. Collection method: clinical testing. Allele origin: germline. Affected: yes.
Comment: In silico analysis supports a deleterious effect on splicing; Not observed in large population cohorts (Lek et al., 2016); In silico analysis supports that this missense variant has a deleterious effect on protein structure/function; Has not been previously published as pathogenic or benign to our knowledge; Variants in candidate genes are classified as variants of uncertain significance in accordance with ACMG guidelines (Richards et al., 2015)